The following is an entry in ClinVar:

NM_198578.4(LRRK2):c.2624G>C (p.Trp875Ser)

Gene: LRRK2 (leucine rich repeat kinase 2; plus strand). Cytogenetic location: 12q12.
Variant type: single nucleotide variant.
Coding change: c.2624G>C on transcript NM_198578.4 (MANE Select); coding-DNA position 2624, G replaced by C.
Protein change: p.Trp875Ser; replaces tryptophan 875 with serine.
Molecular consequence: missense variant.
Genome position (GRCh38, 1-based): chr12:40,287,474, G>C. VCF-style: chr12-40287474-G-C. GRCh37 (hg19) VCF-style: chr12-40681276-G-C.
Other names: short protein forms W875S.
Identifiers: ClinVar variation 1793989 (VCV001793989.2), dbSNP rs1565714684, ClinGen allele CA384408963.

ClinVar aggregate classification (germline): Uncertain significance (1 of 4 stars; one submission).

Conditions:
Inborn genetic diseases. Identifiers: MedGen C0950123, MeSH D030342.

Submission:

Ambry Genetics
Classification: Uncertain significance for Inborn genetic diseases. Last evaluated: 2022-03-06. Review status: criteria provided, single submitter. Criteria: Ambry Variant Classification Scheme 2023. Collection method: clinical testing. Allele origin: germline.
Comment: The p.W875S variant (also known as c.2624G>C), located in coding exon 20 of the LRRK2 gene, results from a G to C substitution at nucleotide position 2624. The tryptophan at codon 875 is replaced by serine, an amino acid with highly dissimilar properties. This amino acid position is conserved. In addition, this alteration is predicted to be deleterious by in silico analysis. Since supporting evidence is limited at this time, the clinical significance of this alteration remains unclear.